The following is an entry in ClinVar:

NM_015570.4(AUTS2):c.1614_1625dup (p.Thr542_Phe543insHisGlnHisThr)

Gene: AUTS2 (activator of transcription and developmental regulator AUTS2; plus strand). Cytogenetic location: 7q11.22.
Variant type: Duplication.
Coding change: c.1614_1625dup on transcript NM_015570.4 (MANE Select); coding-DNA positions 1614 to 1625, 12 bases duplicated (GCACCAGCACAC).
Protein change: p.Thr542_Phe543insHisGlnHisThr.
Genome position (GRCh38, 1-based): chr7:70,766,259-70,766,270, GCACCAGCACAC duplicated; duplicating any 12 consecutive bases within chr7:70,766,248-70,766,270 gives the same sequence; the c. name uses the placement nearest the transcript's 3' end. VCF-style (leftmost placement, unchanged base first): chr7-70766247-C-CCACCAGCACACG. GRCh37 (hg19) VCF-style: chr7-70231233-C-CCACCAGCACACG.
Other names: c.1614_1625dup, p.Thr542_Phe543insHisGlnHisThr (NM_001127231.3).
Identifiers: ClinVar variation 3666039 (VCV003666039.2).

ClinVar aggregate classification (germline): Uncertain significance (1 of 4 stars; one submission).

Submission:

Labcorp Genetics (formerly Invitae), Labcorp
Classification: Uncertain significance. Last evaluated: 2024-12-20. Review status: criteria provided, single submitter. Criteria: Invitae Variant Classification Sherloc (09022015). Collection method: clinical testing. Allele origin: germline.
Comment: This variant, c.1614_1625dup, results in the insertion of 4 amino acid(s) of the AUTS2 protein (p.His539_Thr542dup), but otherwise preserves the integrity of the reading frame. This variant is not present in population databases (gnomAD no frequency). This variant has not been reported in the literature in individuals affected with AUTS2-related conditions. In summary, the available evidence is currently insufficient to determine the role of this variant in disease. Therefore, it has been classified as a Variant of Uncertain Significance.